The following is an entry in ClinVar:

NM_001348323.3(TRIP12):c.2098G>A (p.Val700Ile)

Gene: TRIP12 (thyroid hormone receptor interactor 12; minus strand). Cytogenetic location: 2q36.3.
Variant type: single nucleotide variant.
Coding change: c.2098G>A on transcript NM_001348323.3 (MANE Select); coding-DNA position 2098, G replaced by A.
Protein change: p.Val700Ile; replaces valine 700 with isoleucine.
Molecular consequence: missense variant.
Genome position (GRCh38, 1-based): chr2:229,811,003, C>T on the plus strand (G>A on the coding strand, the complement: TRIP12 is on the minus strand). VCF-style: chr2-229811003-C-T. GRCh37 (hg19) VCF-style: chr2-230675719-C-T.
Other names: c.2098G>A, p.Val700Ile (NM_001348321.1, NM_001348322.1, NM_001348324.2 and 11 more transcripts); c.1972G>A, p.Val658Ile (NM_001348331.1, NM_001284215.2, NM_001348316.2 and 2 more transcripts); c.2011G>A, p.Val671Ile (NM_001348332.1); c.1954G>A, p.Val652Ile (NM_004238.3); c.1063G>A, p.Val355Ile (NM_001284216.2); short protein forms V355I, V652I, V658I, V671I, V700I.
Identifiers: ClinVar variation 1302068 (VCV001302068.2), dbSNP rs2154278591, ClinGen allele CA350919575.

ClinVar aggregate classification (germline): Uncertain significance (1 of 4 stars; one submission).

Submission:

GeneDx
Classification: Uncertain significance. Last evaluated: 2019-05-06. Review status: criteria provided, single submitter. Criteria: GeneDx Variant Classification Process June 2021. Collection method: clinical testing. Allele origin: germline. Affected: yes.
Comment: Not observed in large population cohorts (Lek et al., 2016); In silico analysis, which includes protein predictors and evolutionary conservation, supports that this variant does not alter protein structure/function; Has not been previously published as pathogenic or benign to our knowledge